The following is an entry in ClinVar:

ClinVar aggregate classification (germline): Uncertain significance (1 of 4 stars; one submission).

Allele frequency attached by ClinVar (database versions not stated): gnomAD 0.00001 and 0.00003; TOPMed 0.00002; gnomAD exomes 0.00003 and 0.00005; ExAC 0.00004; ESP Exome Variant Server 0.00008.
gnomAD v4.1: 49 of 1,613,918 alleles (0.003%); highest among the groups gnomAD compares: African/African-American, 0.0027%; no homozygotes.

Submission:

Labcorp Genetics (formerly Invitae), Labcorp
Classification: Uncertain significance. Last evaluated: 2021-10-22. Review status: criteria provided, single submitter. Criteria: Invitae Variant Classification Sherloc (09022015). Collection method: clinical testing. Allele origin: germline.
Comment: This sequence change falls in intron 11 of the WDR1 gene. It does not directly change the encoded amino acid sequence of the WDR1 protein. It affects a nucleotide within the consensus splice site of the intron. This variant is present in population databases (rs199876381, ExAC 0.02%). This variant has not been reported in the literature in individuals with WDR1-related conditions. Nucleotide substitutions within the consensus splice site are a relatively common cause of aberrant splicing (PMID: 17576681, 9536098). Algorithms developed to predict the effect of sequence changes on RNA splicing suggest that this variant is not likely to affect RNA splicing, but this prediction has not been confirmed by published transcriptional studies. In summary, the available evidence is currently insufficient to determine the role of this variant in disease. Therefore, it has been classified as a Variant of Uncertain Significance.

Literature cited by the submitters: PubMed 17576681; PubMed 9536098.

NM_017491.5(WDR1):c.1284+4G>A

Gene: WDR1 (WD repeat domain 1; minus strand). Cytogenetic location: 4p16.1.
Variant type: single nucleotide variant.
Coding change: c.1284+4G>A on transcript NM_017491.5 (MANE Select); 4 bases into the intron after coding-DNA position 1284, G replaced by A.
Molecular consequence: intron variant.
Genome position (GRCh38, 1-based): chr4:10,081,353, C>T on the plus strand (G>A on the coding strand, the complement: WDR1 is on the minus strand). VCF-style: chr4-10081353-C-T. GRCh37 (hg19) VCF-style: chr4-10082977-C-T.
Other names: c.864+4G>A (NM_005112.5).
Identifiers: ClinVar variation 1417972 (VCV001417972.3), dbSNP rs199876381, ClinGen allele CA2857650.